The following is an entry in ClinVar:

NM_004733.4(SLC33A1):c.1267-4G>A

Gene: SLC33A1 (solute carrier family 33 member 1; minus strand). Cytogenetic location: 3q25.31.
Variant type: single nucleotide variant.
Coding change: c.1267-4G>A on transcript NM_004733.4 (MANE Select); 4 bases into the intron before coding-DNA position 1267, G replaced by A.
Molecular consequence: intron variant.
Genome position (GRCh38, 1-based): chr3:155,829,907, C>T on the plus strand (G>A on the coding strand, the complement: SLC33A1 is on the minus strand). VCF-style: chr3-155829907-C-T. GRCh37 (hg19) VCF-style: chr3-155547696-C-T.
Other names: c.1267-4G>A (NM_001190992.2); c.961-4G>A (NM_001363883.1).
Identifiers: ClinVar variation 3051998 (VCV003051998.2), dbSNP rs779467886, ClinGen allele CA2677262.
Genomic context (GRCh38, chr3:155,829,907, plus strand): 5'-ATCACTAACCTTTGCATTGAAAGCCATTATAGAAACATACATGCTGTACACTGTAACCTA[C>T]GGAAAAATGTAAAACATCTTTAGTATGATTATAAAGCTTATAAAGCTACAGTCTAAATTA-3'

ClinVar aggregate classification (germline): Likely benign (0 of 4 stars; one submission).

Conditions:
SLC33A1-related disorder. Also called: SLC33A1-related condition.

Allele frequency attached by ClinVar (database versions not stated): TOPMed 0.00003 and 0.00004; gnomAD 0.00006.
gnomAD v4.1: 98 of 1,581,978 alleles (0.0062%); highest among the groups gnomAD compares: South Asian, 0.0089%; no homozygotes.

Submission:

PreventionGenetics, part of Exact Sciences
Classification: Likely benign for SLC33A1-related condition. Last evaluated: 2023-02-03. Review status: no assertion criteria provided. Collection method: clinical testing. Allele origin: germline.
Comment: This variant is classified as likely benign based on ACMG/AMP sequence variant interpretation guidelines (Richards et al. 2015 PMID: 25741868, with internal and published modifications).